The following is an entry in ClinVar:

NM_000523.4(HOXD13):c.889A>T (p.Ile297Phe)

Gene: HOXD13 (homeobox D13; plus strand). Cytogenetic location: 2q31.1.
Variant type: single nucleotide variant.
Coding change: c.889A>T on transcript NM_000523.4 (MANE Select); coding-DNA position 889, A replaced by T.
Protein change: p.Ile297Phe; replaces isoleucine 297 with phenylalanine.
Molecular consequence: missense variant.
Genome position (GRCh38, 1-based): chr2:176,094,587, A>T. VCF-style: chr2-176094587-A-T. GRCh37 (hg19) VCF-style: chr2-176959315-A-T.
Other names: short protein forms I297F.
Identifiers: ClinVar variation 3777264 (VCV003777264.1).

ClinVar aggregate classification (germline): Uncertain significance (1 of 4 stars; one submission).

Submission:

GeneDx
Classification: Uncertain significance. Last evaluated: 2024-10-14. Review status: criteria provided, single submitter. Criteria: GeneDx Variant Classification Process June 2021. Collection method: clinical testing. Allele origin: germline. Affected: yes.
Comment: Not observed at significant frequency in large population cohorts (gnomAD); In silico analysis indicates that this missense variant does not alter protein structure/function; Has not been previously published as pathogenic or benign to our knowledge